The following is an entry in ClinVar:

NM_001042492.3(NF1):c.3048T>A (p.Cys1016Ter)

Gene: NF1 (neurofibromin 1; plus strand). Cytogenetic location: 17q11.2.
Variant type: single nucleotide variant.
Coding change: c.3048T>A on transcript NM_001042492.3 (MANE Select); coding-DNA position 3048, T replaced by A.
Protein change: p.Cys1016Ter; replaces cysteine 1016 with a stop codon.
Molecular consequence: nonsense.
Genome position (GRCh38, 1-based): chr17:31,230,317, T>A. VCF-style: chr17-31230317-T-A. GRCh37 (hg19) VCF-style: chr17-29557335-T-A.
Other names: c.3048T>A, p.Cys1016Ter (NM_000267.4); short protein forms C1016*.
Identifiers: ClinVar variation 431617 (VCV000431617.4), dbSNP rs1135402840, ClinGen allele CA398987373.

ClinVar aggregate classification (germline): Pathogenic. Review status: criteria provided, single submitter (1 of 4 stars). 2 submissions from 2 submitters: Pathogenic (1). 1 of the submissions does not count toward it. Last evaluated 2025-09-11.

Conditions:
Neurofibromatosis, type 1 (NF1). Also called: Neurofibromatosis, type I; NEUROFIBROMATOSIS, TYPE I, SOMATIC; Peripheral type neurofibromatosis; VON RECKLINGHAUSEN DISEASE. Identifiers: Orphanet 636, MedGen C0027831, MONDO:0018975, OMIM 162200. Disease mechanism: loss of function.

Submissions (2):

Labcorp Genetics (formerly Invitae), Labcorp
Classification: Pathogenic for Neurofibromatosis, type 1. Last evaluated: 2025-09-11. Review status: criteria provided, single submitter. Criteria: Invitae Variant Classification Sherloc (09022015). Collection method: clinical testing. Allele origin: germline.
Comment: This sequence change creates a premature translational stop signal (p.Cys1016*) in the NF1 gene. It is expected to result in an absent or disrupted protein product. Loss-of-function variants in NF1 are known to be pathogenic (PMID: 10712197, 23913538). This variant is not present in population databases (gnomAD no frequency). This premature translational stop signal has been observed in individual(s) with neurofibromatosis type 1 (PMID: 25325900). ClinVar contains an entry for this variant (Variation ID: 431617). For these reasons, this variant has been classified as Pathogenic.

Medical Genetics, University of Parma
Classification: Pathogenic for Neurofibromatosis type 1. Last evaluated: 2017-02-02. Review status: no assertion criteria provided. Collection method: clinical testing. Allele origin: germline. Affected: yes. Not counted in ClinVar's aggregate classification.

Literature cited by the submitters: PubMed 10712197 (cited by Labcorp Genetics (formerly Invitae), Labcorp); PubMed 23913538 (cited by Labcorp Genetics (formerly Invitae), Labcorp); PubMed 25325900 (cited by Labcorp Genetics (formerly Invitae), Labcorp).